The following is an entry in ClinVar:

NM_001292034.3(TAB2):c.671G>A (p.Gly224Asp)

Genes: TAB2 (TGF-beta activated kinase 1 (MAP3K7) binding protein 2; plus strand), LOC126859827 (BRD4-independent group 4 enhancer GRCh37_chr6:149699707-149700906; plus strand). Cytogenetic location: 6q25.1.
Variant type: single nucleotide variant.
Coding change: c.671G>A on transcript NM_001292034.3 (MANE Select); coding-DNA position 671, G replaced by A.
Protein change: p.Gly224Asp; replaces glycine 224 with aspartic acid.
Molecular consequence: missense variant.
Genome position (GRCh38, 1-based): chr6:149,378,586, G>A. VCF-style: chr6-149378586-G-A. GRCh37 (hg19) VCF-style: chr6-149699722-G-A.
Other names: c.575G>A, p.Gly192Asp (NM_001292035.3); c.671G>A, p.Gly224Asp (NM_001369506.1, NM_015093.6); short protein forms G224D, G192D.
Identifiers: ClinVar variation 3686401 (VCV003686401.2).

ClinVar aggregate classification (germline): Uncertain significance (1 of 4 stars; one submission).

gnomAD v4.1: 2 of 1,613,594 alleles (0.00012%); highest among the groups gnomAD compares: Non-Finnish European, 0.000085%; no homozygotes.

Submission:

Labcorp Genetics (formerly Invitae), Labcorp
Classification: Uncertain significance. Last evaluated: 2024-06-24. Review status: criteria provided, single submitter. Criteria: Invitae Variant Classification Sherloc (09022015). Collection method: clinical testing. Allele origin: germline.
Comment: This sequence change replaces glycine, which is neutral and non-polar, with aspartic acid, which is acidic and polar, at codon 224 of the TAB2 protein (p.Gly224Asp). This variant is present in population databases (no rsID available, gnomAD 0.007%). This variant has not been reported in the literature in individuals affected with TAB2-related conditions. Advanced modeling of protein sequence and biophysical properties (such as structural, functional, and spatial information, amino acid conservation, physicochemical variation, residue mobility, and thermodynamic stability) performed at Invitae indicates that this missense variant is not expected to disrupt TAB2 protein function with a negative predictive value of 80%. In summary, the available evidence is currently insufficient to determine the role of this variant in disease. Therefore, it has been classified as a Variant of Uncertain Significance.